The following is an entry in ClinVar:

ClinVar aggregate classification (germline): Uncertain significance. Review status: criteria provided, multiple submitters, no conflicts (2 of 4 stars). 2 submissions from 2 submitters: Uncertain significance (2). Last evaluated 2024-11-18.

Conditions:
Familial sleep-related hypermotor epilepsy. Also called: Autosomal Dominant Sleep-Related Hypermotor (Hyperkinetic) Epilepsy. Identifiers: Orphanet 98784, MedGen C3696898, MONDO:0000030.
Inborn genetic diseases. Identifiers: MedGen C0950123, MeSH D030342.

Allele frequency attached by ClinVar (database versions not stated): gnomAD exomes below 0.00001.

Submissions (2):

Labcorp Genetics (formerly Invitae), Labcorp
Classification: Uncertain significance. Last evaluated: 2024-11-18. Review status: criteria provided, single submitter. Criteria: Invitae Variant Classification Sherloc (09022015). Collection method: clinical testing. Allele origin: germline.
Comment: This sequence change replaces proline, which is neutral and non-polar, with leucine, which is neutral and non-polar, at codon 175 of the CHRNA2 protein (p.Pro175Leu). This variant is not present in population databases (gnomAD no frequency). This variant has not been reported in the literature in individuals affected with CHRNA2-related conditions. This missense change has been observed in at least one individual who was not affected with CHRNA2-related conditions (internal data). ClinVar contains an entry for this variant (Variation ID: 1746338). Invitae Evidence Modeling of protein sequence and biophysical properties (such as structural, functional, and spatial information, amino acid conservation, physicochemical variation, residue mobility, and thermodynamic stability) indicates that this missense variant is expected to disrupt CHRNA2 protein function with a positive predictive value of 80%. In summary, the available evidence is currently insufficient to determine the role of this variant in disease. Therefore, it has been classified as a Variant of Uncertain Significance.

Ambry Genetics
Classification: Uncertain significance for Inborn genetic diseases. Last evaluated: 2019-12-03. Review status: criteria provided, single submitter. Criteria: Ambry Variant Classification Scheme 2023. Collection method: clinical testing. Allele origin: germline.
Comment: The p.P175L variant (also known as c.524C>T), located in coding exon 5 of the CHRNA2 gene, results from a C to T substitution at nucleotide position 524. The proline at codon 175 is replaced by leucine, an amino acid with similar properties. This amino acid position is highly conserved in available vertebrate species. In addition, this alteration is predicted to be deleterious by in silico analysis. Since supporting evidence is limited at this time, the clinical significance of this alteration remains unclear.

NM_000742.4(CHRNA2):c.524C>T (p.Pro175Leu)

Gene: CHRNA2 (cholinergic receptor nicotinic alpha 2 subunit; minus strand). Cytogenetic location: 8p21.2.
Variant type: single nucleotide variant.
Coding change: c.524C>T on transcript NM_000742.4 (MANE Select); coding-DNA position 524, C replaced by T.
Protein change: p.Pro175Leu; replaces proline 175 with leucine.
Molecular consequence: missense variant. On other transcripts: intron variant (2).
Genome position (GRCh38, 1-based): chr8:27,463,919, G>A on the plus strand (C>T on the coding strand, the complement: CHRNA2 is on the minus strand). VCF-style: chr8-27463919-G-A. GRCh37 (hg19) VCF-style: chr8-27321436-G-A.
Other names: c.479C>T, p.Pro160Leu (NM_001282455.2); c.47C>T, p.Pro16Leu (NM_001347705.2, NM_001347706.2); c.-12-59C>T (NM_001347708.2); c.-9-62C>T (NM_001347707.2); short protein forms P16L, P175L, P160L.
Identifiers: ClinVar variation 1746338 (VCV001746338.7), dbSNP rs1812615256, ClinGen allele CA370811414.
Genomic context (GRCh38, chr8:27,463,919, plus strand): 5'-TGCTGGTCGAAGGGGAAGAAGGTGACGTCGATGCTGCAGGAGCTCTTGTAGATGGCCGGG[G>A]GCACCCAGTGCACAGTGCCCGTGGAGAAGAGGTGGGCCTTGGTCATGTGGGTCACTGCAA-3'
Protein context (NP_000733.2, residues 165-185): LFSTGTVHWV[Pro175Leu]PAIYKSSCSI